The following is an entry in ClinVar:

NM_004360.5(CDH1):c.1137+6T>G

Gene: CDH1 (cadherin 1; plus strand). Cytogenetic location: 16q22.1.
Variant type: single nucleotide variant.
Coding change: c.1137+6T>G on transcript NM_004360.5 (MANE Select); 6 bases into the intron after coding-DNA position 1137, T replaced by G.
Molecular consequence: intron variant.
Genome position (GRCh38, 1-based): chr16:68,812,269, T>G. VCF-style: chr16-68812269-T-G. GRCh37 (hg19) VCF-style: chr16-68846172-T-G.
Other names: c.-479+6T>G (NM_001317185.2); c.-683+6T>G (NM_001317186.2); c.1137+6T>G (NM_001317184.2).
Identifiers: ClinVar variation 2775034 (VCV002775034.5), dbSNP rs1960861386, ClinGen allele CA2576038753.

ClinVar aggregate classification (germline): Conflicting classifications of pathogenicity. Review status: criteria provided, conflicting classifications (1 of 4 stars). 2 submissions from 2 submitters: Uncertain significance (1); Likely benign (1). Last evaluated 2025-12-24.

Conditions:
Hereditary cancer-predisposing syndrome. Also called: Hereditary Cancer Syndrome; Hereditary neoplastic syndrome; Tumor predisposition; Neoplastic Syndromes, Hereditary. Identifiers: Orphanet 140162, MedGen C0027672, MeSH D009386, MONDO:0015356.
Hereditary diffuse gastric adenocarcinoma (HDGC). Also called: DIFFUSE GASTRIC AND LOBULAR BREAST CANCER SYNDROME. Identifiers: Orphanet 26106, MedGen C1708349, MONDO:0007648, OMIM 137215.

Allele frequency attached by ClinVar (database versions not stated): gnomAD exomes below 0.00001.
gnomAD v4.1: 1 of 1,613,998 alleles (0.000062%); highest among the groups gnomAD compares: Non-Finnish European, 0.000085%; no homozygotes.

Submissions (2):

Labcorp Genetics (formerly Invitae), Labcorp
Classification: Likely benign for Hereditary diffuse gastric adenocarcinoma. Last evaluated: 2025-12-24. Review status: criteria provided, single submitter. Criteria: Invitae Variant Classification Sherloc (09022015). Collection method: clinical testing. Allele origin: germline.

Color Diagnostics, LLC DBA Color Health
Classification: Uncertain significance for Hereditary cancer-predisposing syndrome. Last evaluated: 2021-08-31. Review status: criteria provided, single submitter. Criteria: ACMG Guidelines, 2015. Collection method: clinical testing. Allele origin: germline.
Comment: This variant causes a T to G nucleotide substitution at the +6 position of intron 8 of the CDH1 gene. To our knowledge, functional studies have not been reported for this variant. This variant has not been reported in individuals affected with hereditary cancer in the literature. This variant has not been identified in the general population by the Genome Aggregation Database (gnomAD). The available evidence is insufficient to determine the role of this variant in disease conclusively. Therefore, this variant is classified as a Variant of Uncertain Significance.